The following is an entry in ClinVar:

ClinVar aggregate classification (germline): Uncertain significance (1 of 4 stars; one submission).

Submission:

CeGaT Center for Human Genetics Tuebingen
Classification: Uncertain significance. Last evaluated: 2026-04-01. Review status: criteria provided, single submitter. Criteria: CeGaT Center For Human Genetics Tuebingen Variant Classification Criteria Version 2. Collection method: clinical testing. Allele origin: germline. Affected: yes. Observed: 1 variant allele.
Comment: CADM3: PM2

NM_001127173.3(CADM3):c.493T>C (p.Trp165Arg)

Gene: CADM3 (cell adhesion molecule 3; plus strand). Cytogenetic location: 1q23.2.
Variant type: single nucleotide variant.
Coding change: c.493T>C on transcript NM_001127173.3 (MANE Select); coding-DNA position 493, T replaced by C.
Protein change: p.Trp165Arg; replaces tryptophan 165 with arginine.
Molecular consequence: missense variant.
Genome position (GRCh38, 1-based): chr1:159,193,533, T>C. VCF-style: chr1-159193533-T-C. GRCh37 (hg19) VCF-style: chr1-159163323-T-C.
Other names: c.493T>C, p.Trp165Arg (NM_001346510.2); c.595T>C, p.Trp199Arg (NM_021189.5); short protein forms W165R, W199R.
Identifiers: ClinVar variation 4874539 (VCV004874539.2).
Genomic context (GRCh38, chr1:159,193,533, plus strand): 5'-AAAGACACAGCCACCCTAAACTGTCAGTCTTCTGGGAGCAAGCCTGCAGCCCGGCTCACC[T>C]GGAGAAAGGGTGACCAAGAACTCCACGGTGAGTACCTCCTGCCTTGGGGTTACAGGAGAA-3'
Protein context (NP_001120645.1, residues 155-175): SGSKPAARLT[Trp165Arg]RKGDQELHGE